The following is an entry in ClinVar:

ClinVar aggregate classification (germline): Uncertain significance (1 of 4 stars; one submission).

Conditions:
Left ventricular noncompaction 8 (LVNC8). Identifiers: Orphanet 154, Orphanet 54260, MedGen C3809288, MONDO:0014152, OMIM 615373.

Submission:

Labcorp Genetics (formerly Invitae), Labcorp
Classification: Uncertain significance for Left ventricular noncompaction 8. Last evaluated: 2017-01-16. Review status: criteria provided, single submitter. Criteria: Invitae Variant Classification Sherloc (09022015). Collection method: clinical testing. Allele origin: germline.
Comment: In summary, this variant is a novel missense change that is not predicted to affect protein function. There is no indication that it causes disease, but the available evidence is currently insufficient to prove that conclusively. Therefore, it has been classified as a Variant of Uncertain Significance. Algorithms developed to predict the effect of missense changes on protein structure and function output the following: (SIFT: "Tolerated"; PolyPhen-2: "Benign"; Align-GVGD: "Class C0"). The alanine amino acid residue is found in multiple mammalian species, suggesting that this missense change does not adversely affect protein function. These predictions have not been confirmed by published functional studies. This variant is not present in population databases (ExAC no frequency) and has not been reported in the literature in individuals with a PRDM16-related disease. This sequence change replaces threonine with alanine at codon 1142 of the PRDM16 protein (p.Thr1142Ala). The threonine residue is highly conserved and there is a small physicochemical difference between threonine and alanine.

NM_022114.4(PRDM16):c.3424A>G (p.Thr1142Ala)

Gene: PRDM16 (PR/SET domain 16; plus strand). Cytogenetic location: 1p36.32.
Variant type: single nucleotide variant.
Coding change: c.3424A>G on transcript NM_022114.4 (MANE Select); coding-DNA position 3424, A replaced by G.
Protein change: p.Thr1142Ala; replaces threonine 1142 with alanine.
Molecular consequence: missense variant.
Genome position (GRCh38, 1-based): chr1:3,431,011, A>G. VCF-style: chr1-3431011-A-G. GRCh37 (hg19) VCF-style: chr1-3347575-A-G.
Other names: c.3424A>G, p.Thr1142Ala (NM_199454.3); short protein forms T1142A.
Identifiers: ClinVar variation 474430 (VCV000474430.8), dbSNP rs1553180139, ClinGen allele CA338004140.